The following is an entry in ClinVar:

ClinVar aggregate classification (germline): Likely pathogenic (1 of 4 stars; one submission).

gnomAD v4.1: 1 of 1,608,506 alleles (0.000062%); highest among the groups gnomAD compares: Non-Finnish European, 0.000085%; no homozygotes.

Submission:

Labcorp Genetics (formerly Invitae), Labcorp
Classification: Likely pathogenic. Last evaluated: 2022-11-19. Review status: criteria provided, single submitter. Criteria: Invitae Variant Classification Sherloc (09022015). Collection method: clinical testing. Allele origin: germline.
Comment: In summary, the currently available evidence indicates that the variant is pathogenic, but additional data are needed to prove that conclusively. Therefore, this variant has been classified as Likely Pathogenic. This variant disrupts the p.Arg36 amino acid residue in AGXT. Other variant(s) that disrupt this residue have been determined to be pathogenic (PMID: 15356974, 17495019, 24988064). This suggests that this residue is clinically significant, and that variants that disrupt this residue are likely to be disease-causing. Advanced modeling of protein sequence and biophysical properties (such as structural, functional, and spatial information, amino acid conservation, physicochemical variation, residue mobility, and thermodynamic stability) performed at Invitae indicates that this missense variant is expected to disrupt AGXT protein function. This variant has not been reported in the literature in individuals affected with AGXT-related conditions. This variant is not present in population databases (gnomAD no frequency). This sequence change replaces arginine, which is basic and polar, with proline, which is neutral and non-polar, at codon 36 of the AGXT protein (p.Arg36Pro).

Literature cited by the submitters: PubMed 15356974; PubMed 17495019; PubMed 24988064.

NM_000030.3(AGXT):c.107G>C (p.Arg36Pro)

Gene: AGXT (alanine--glyoxylate aminotransferase; plus strand). Cytogenetic location: 2q37.3.
Variant type: single nucleotide variant.
Coding change: c.107G>C on transcript NM_000030.3 (MANE Select); coding-DNA position 107, G replaced by C.
Protein change: p.Arg36Pro; replaces arginine 36 with proline.
Molecular consequence: missense variant.
Genome position (GRCh38, 1-based): chr2:240,868,972, G>C. VCF-style: chr2-240868972-G-C. GRCh37 (hg19) VCF-style: chr2-241808389-G-C.
Other names: short protein forms R36P.
Identifiers: ClinVar variation 2088931 (VCV002088931.4), dbSNP rs180177162, ClinGen allele CA351313118.